The following is an entry in ClinVar:

ClinVar aggregate classification (germline): Likely benign (0 of 4 stars; one submission).

Conditions:
RAD9B-related disorder. Also called: RAD9B-related condition.

Allele frequency attached by ClinVar (database versions not stated): gnomAD exomes 0.00005; 1000 Genomes Project 30x 0.00016; 1000 Genomes Project 0.00020; ESP Exome Variant Server 0.00049; gnomAD 0.00052; TOPMed 0.00068.
gnomAD v4.1: 158 of 1,591,454 alleles (0.0099%); highest among the groups gnomAD compares: African/African-American, 0.19%; no homozygotes.

Submission:

PreventionGenetics, part of Exact Sciences
Classification: Likely benign for RAD9B-related condition. Last evaluated: 2022-04-06. Review status: no assertion criteria provided. Collection method: clinical testing. Allele origin: germline.
Comment: This variant is classified as likely benign based on ACMG/AMP sequence variant interpretation guidelines (Richards et al. 2015 PMID: 25741868, with internal and published modifications).

NM_001286535.2(RAD9B):c.176C>T (p.Pro59Leu)

Gene: RAD9B (RAD9 checkpoint clamp component B; plus strand). Cytogenetic location: 12q24.11.
Variant type: single nucleotide variant.
Coding change: c.176C>T on transcript NM_001286535.2 (MANE Select); coding-DNA position 176, C replaced by T.
Protein change: p.Pro59Leu; replaces proline 59 with leucine.
Molecular consequence: missense variant. On other transcripts: 5 prime UTR variant (8), intron variant (1).
Genome position (GRCh38, 1-based): chr12:110,505,675, C>T. VCF-style: chr12-110505675-C-T. GRCh37 (hg19) VCF-style: chr12-110943480-C-T.
Other names: c.-41C>T (NM_001286531.2, NM_001286532.2, NM_001368051.1 and 1 more transcripts); c.-455C>T (NM_001286533.2, NM_001286534.2); c.176C>T, p.Pro59Leu (NM_001286536.2, NM_001368052.1, NM_152442.4); c.-316C>T (NM_001368055.1, NM_001368056.1); c.-104+3292C>T (NM_001368054.1); short protein forms P59L.
Identifiers: ClinVar variation 3055212 (VCV003055212.2), dbSNP rs202241086, ClinGen allele CA6785929.
Genomic context (GRCh38, chr12:110,505,675, plus strand): 5'-AGCTTGCTCTAAGATGTGTGAATTCTTCTCGGTCAGCATATGGATGTGTCCTGTTCTCTC[C>T]TGTGTTTTTTCAGCATTATCAATGGTCAGCTTTAGTGAAAATGAGTGAAAATGAACTTGA-3'
Protein context (NP_001273464.1, residues 49-69): RSAYGCVLFS[Pro59Leu]VFFQHYQWSA